The following is an entry in ClinVar:

ClinVar aggregate classification (germline): Uncertain significance (1 of 4 stars; one submission).

Allele frequency attached by ClinVar (database versions not stated): gnomAD exomes below 0.00001.
gnomAD v4.1: 2 of 1,614,066 alleles (0.00012%); highest among the groups gnomAD compares: Non-Finnish European, 0.00017%; no homozygotes.

Submission:

CeGaT Center for Human Genetics Tuebingen
Classification: Uncertain significance. Last evaluated: 2022-08-01. Review status: criteria provided, single submitter. Criteria: CeGaT Center For Human Genetics Tuebingen Variant Classification Criteria Version 2. Collection method: clinical testing. Allele origin: germline. Affected: yes. Observed: 1 variant allele.
Comment: CCBE1: PM2

NM_133459.4(CCBE1):c.808C>T (p.Pro270Ser)

Gene: CCBE1 (collagen and calcium binding EGF domains 1; minus strand). Cytogenetic location: 18q21.32.
Variant type: single nucleotide variant.
Coding change: c.808C>T on transcript NM_133459.4 (MANE Select); coding-DNA position 808, C replaced by T.
Protein change: p.Pro270Ser; replaces proline 270 with serine.
Molecular consequence: missense variant.
Genome position (GRCh38, 1-based): chr18:59,439,784, G>A on the plus strand (C>T on the coding strand, the complement: CCBE1 is on the minus strand). VCF-style: chr18-59439784-G-A. GRCh37 (hg19) VCF-style: chr18-57107016-G-A.
Other names: short protein forms P270S.
Identifiers: ClinVar variation 2648768 (VCV002648768.24), dbSNP rs1292066668, ClinGen allele CA402595425.